The following is an entry in ClinVar:

NM_001291303.3(FAT4):c.14816G>T (p.Gly4939Val)

Gene: FAT4 (FAT atypical cadherin 4; plus strand). Cytogenetic location: 4q28.1.
Variant type: single nucleotide variant.
Coding change: c.14816G>T on transcript NM_001291303.3 (MANE Select); coding-DNA position 14816, G replaced by T.
Protein change: p.Gly4939Val; replaces glycine 4939 with valine.
Molecular consequence: missense variant.
Genome position (GRCh38, 1-based): chr4:125,491,632, G>T. VCF-style: chr4-125491632-G-T. GRCh37 (hg19) VCF-style: chr4-126412787-G-T.
Other names: c.14810G>T (NM_024582.4); c.14813G>T, p.Gly4938Val (NM_001291285.3); c.14810G>T, p.Gly4937Val (NM_024582.6); short protein forms G4937V, G4939V, G4938V.
Identifiers: ClinVar variation 1355438 (VCV001355438.7), dbSNP rs2126098865, ClinGen allele CA358143741.

ClinVar aggregate classification (germline): Uncertain significance. Review status: criteria provided, multiple submitters, no conflicts (2 of 4 stars). 2 submissions from 2 submitters: Uncertain significance (2). Last evaluated 2025-01-16.

Conditions:
Inborn genetic diseases. Identifiers: MedGen C0950123, MeSH D030342.

Submissions (2):

Ambry Genetics
Classification: Uncertain significance for Inborn genetic diseases. Last evaluated: 2025-01-16. Review status: criteria provided, single submitter. Criteria: Ambry Variant Classification Scheme 2023. Collection method: clinical testing. Allele origin: germline.

Labcorp Genetics (formerly Invitae), Labcorp
Classification: Uncertain significance. Last evaluated: 2021-12-09. Review status: criteria provided, single submitter. Criteria: Invitae Variant Classification Sherloc (09022015). Collection method: clinical testing. Allele origin: germline.
Comment: In summary, the available evidence is currently insufficient to determine the role of this variant in disease. Therefore, it has been classified as a Variant of Uncertain Significance. Advanced modeling of protein sequence and biophysical properties (such as structural, functional, and spatial information, amino acid conservation, physicochemical variation, residue mobility, and thermodynamic stability) performed at Invitae indicates that this missense variant is not expected to disrupt FAT4 protein function. This variant has not been reported in the literature in individuals affected with FAT4-related conditions. This variant is not present in population databases (gnomAD no frequency). This sequence change replaces glycine, which is neutral and non-polar, with valine, which is neutral and non-polar, at codon 4937 of the FAT4 protein (p.Gly4937Val).